The following is an entry in ClinVar:

NM_004370.6(COL12A1):c.6211-11T>G

Gene: COL12A1 (collagen type XII alpha 1 chain; minus strand). Cytogenetic location: 6q13.
Variant type: single nucleotide variant.
Coding change: c.6211-11T>G on transcript NM_004370.6 (MANE Select); 11 bases into the intron before coding-DNA position 6211, T replaced by G.
Molecular consequence: intron variant.
Genome position (GRCh38, 1-based): chr6:75,128,436, A>C on the plus strand (T>G on the coding strand, the complement: COL12A1 is on the minus strand). VCF-style: chr6-75128436-A-C. GRCh37 (hg19) VCF-style: chr6-75838152-A-C.
Other names: c.2719-11T>G (NM_001424116.1, NM_080645.3); c.5938-11T>G (NM_001424115.1); c.6190-11T>G (NM_001424114.1); c.6211-11T>G (NM_001424113.1).
Identifiers: ClinVar variation 3760789 (VCV003760789.3).
Genomic context (GRCh38, chr6:75,128,436, plus strand): 5'-GGTTGCAGGGGCTGCAGTATTACATTGTTTCTTCTGCCTGGGACTGTGGTCTATAGAGGA[A>C]GTTAAATTATAAATATATTACCATCTAGAAGACTTCCAGATCAAAAGACAGTATTGTTTT-3'

ClinVar aggregate classification (germline): Likely benign. Review status: criteria provided, multiple submitters, no conflicts (2 of 4 stars). 2 submissions from 2 submitters: Likely benign (2). Last evaluated 2025-12-29.

Conditions:
Ullrich congenital muscular dystrophy 2 (UCMD2). Identifiers: Orphanet 75840, MedGen C4225314, MONDO:0014654, OMIM 616470.
Bethlem myopathy 2 (BTHLM2). Identifiers: Orphanet 536516, Orphanet 610, MedGen C4225313, MONDO:0034022, OMIM 616471.

gnomAD v4.1: 17 of 1,546,322 alleles (0.0011%); highest among the groups gnomAD compares: Non-Finnish European, 0.0015%; no homozygotes.

Submissions (2):

Labcorp Genetics (formerly Invitae), Labcorp
Classification: Likely benign for Bethlem myopathy 2; Ullrich congenital muscular dystrophy 2. Last evaluated: 2025-12-29. Review status: criteria provided, single submitter. Criteria: Invitae Variant Classification Sherloc (09022015). Collection method: clinical testing. Allele origin: germline.

Women's Health and Genetics/Laboratory Corporation of America, LabCorp
Classification: Likely benign. Last evaluated: 2025-02-12. Review status: criteria provided, single submitter. Criteria: LabCorp Variant Classification Summary - May 2015. Collection method: clinical testing. Allele origin: germline.
Comment: Variant summary: COL12A1 c.6211-11T>G alters a conserved nucleotide located at a position not widely known to affect splicing. Consensus agreement among computation tools predict no significant impact on normal splicing. However, these predictions have yet to be confirmed by functional studies. The variant was absent in 198992 control chromosomes. The available data on variant occurrences in the general population are insufficient to allow any conclusion about variant significance. To our knowledge, no occurrence of c.6211-11T>G in individuals affected with Ullrich congenital muscular dystrophy 2 and no experimental evidence demonstrating its impact on protein function have been reported. No submitters have cited clinical-significance assessments for this variant to ClinVar. Based on the evidence outlined above, the variant was classified as likely benign.